The following is an entry in ClinVar:

NM_006563.5(KLF1):c.765dup (p.Gly256fs)

Genes: KLF1 (KLF transcription factor 1; minus strand), LOC117125591 (CRISPRi-FlowFISH-validated PRDX2 and RAD23A regulatory element; plus strand). Cytogenetic location: 19p13.13.
Variant type: Duplication.
Coding change: c.765dup on transcript NM_006563.5 (MANE Select); coding-DNA position 765, one base duplicated (A; older notation c.765dupA).
Protein change: p.Gly256fs; shifts the reading frame from glycine 256.
Molecular consequence: frameshift variant.
Genome position (GRCh38, 1-based): chr19:12,885,465, T duplicated on the plus strand (A on the coding strand, the reverse complement: KLF1 is on the minus strand). VCF-style (leftmost placement, unchanged base first): chr19-12885464-C-CT. GRCh37 (hg19) VCF-style: chr19-12996278-C-CT.
Other names: short protein forms G256fs.
Identifiers: ClinVar variation 3611730 (VCV003611730.2).

ClinVar aggregate classification (germline): Pathogenic (1 of 4 stars; one submission).

Submission:

Labcorp Genetics (formerly Invitae), Labcorp
Classification: Pathogenic. Last evaluated: 2024-06-22. Review status: criteria provided, single submitter. Criteria: Invitae Variant Classification Sherloc (09022015). Collection method: clinical testing. Allele origin: germline.
Comment: This sequence change creates a premature translational stop signal (p.Gly256Argfs*97) in the KLF1 gene. While this is not anticipated to result in nonsense mediated decay, it is expected to disrupt the last 107 amino acid(s) of the KLF1 protein. This variant is not present in population databases (gnomAD no frequency). This variant has not been reported in the literature in individuals affected with KLF1-related conditions. This variant disrupts a region of the KLF1 protein in which other variant(s) (p.Glu325Lys) have been determined to be pathogenic (PMID: 21055716, 23522491, 28102861, 29200155, 29300242, 29396846). This suggests that this is a clinically significant region of the protein, and that variants that disrupt it are likely to be disease-causing. For these reasons, this variant has been classified as Pathogenic.

Literature cited by the submitters: PubMed 21055716; PubMed 23522491; PubMed 28102861; PubMed 29200155; PubMed 29300242; PubMed 29396846.